The following is an entry in ClinVar:

ClinVar aggregate classification (germline): Uncertain significance. Review status: criteria provided, multiple submitters, no conflicts (2 of 4 stars). 3 submissions from 3 submitters: Uncertain significance (3). Last evaluated 2025-05-01.

Conditions:
Primary immunodeficiency with natural-killer cell deficiency and adrenal insufficiency (IMD54). Also called: IMMUNODEFICIENCY 54; Natural killer cell and glucocorticoid deficiency with DNA repair defect. Identifiers: Orphanet 75391, MedGen C1864947, MONDO:0012383, OMIM 609981.

Allele frequency attached by ClinVar (database versions not stated): TOPMed 0.00001; ExAC 0.00002; gnomAD exomes 0.00002; gnomAD 0.00003 and 0.00004.
gnomAD v4.1: 40 of 1,613,690 alleles (0.0025%); highest among the groups gnomAD compares: East Asian, 0.0045%; no homozygotes.

Submissions (3):

Ambry Genetics
Classification: Uncertain significance. Last evaluated: 2025-05-01. Review status: criteria provided, single submitter. Criteria: Ambry Variant Classification Scheme 2023. Collection method: clinical testing. Allele origin: germline.

Labcorp Genetics (formerly Invitae), Labcorp
Classification: Uncertain significance. Last evaluated: 2024-04-29. Review status: criteria provided, single submitter. Criteria: Invitae Variant Classification Sherloc (09022015). Collection method: clinical testing. Allele origin: germline.
Comment: This sequence change replaces glycine, which is neutral and non-polar, with serine, which is neutral and polar, at codon 287 of the MCM4 protein (p.Gly287Ser). This variant is present in population databases (rs751016435, gnomAD 0.005%). This variant has not been reported in the literature in individuals affected with MCM4-related conditions. ClinVar contains an entry for this variant (Variation ID: 363224). Advanced modeling of protein sequence and biophysical properties (such as structural, functional, and spatial information, amino acid conservation, physicochemical variation, residue mobility, and thermodynamic stability) performed at Invitae indicates that this missense variant is expected to disrupt MCM4 protein function with a positive predictive value of 80%. In summary, the available evidence is currently insufficient to determine the role of this variant in disease. Therefore, it has been classified as a Variant of Uncertain Significance.

Illumina Laboratory Services, Illumina
Classification: Uncertain significance for Primary immunodeficiency with natural-killer cell deficiency and adrenal insufficiency. Last evaluated: 2018-01-12. Review status: criteria provided, single submitter. Criteria: ICSL Variant Classification Criteria 13 December 2019. Collection method: clinical testing. Allele origin: germline.

NM_182746.3(MCM4):c.859G>A (p.Gly287Ser)

Gene: MCM4 (minichromosome maintenance complex component 4; plus strand). Cytogenetic location: 8q11.21.
Variant type: single nucleotide variant.
Coding change: c.859G>A on transcript NM_182746.3 (MANE Select); coding-DNA position 859, G replaced by A.
Protein change: p.Gly287Ser; replaces glycine 287 with serine.
Molecular consequence: missense variant.
Genome position (GRCh38, 1-based): chr8:47,966,213, G>A. VCF-style: chr8-47966213-G-A. GRCh37 (hg19) VCF-style: chr8-48878773-G-A.
Other names: c.859G>A, p.Gly287Ser (LRG_1239t1, NM_005914.4); short protein forms G287S.
Identifiers: ClinVar variation 363224 (VCV000363224.13), dbSNP rs751016435, ClinGen allele CA4742452.
Genomic context (GRCh38, chr8:47,966,213, plus strand): 5'-GTCAGGTGTGCTGACCTCTCTTCTCCCCTCACAGACATTGACCAGCTCATCACCATCAGC[G>A]GCATGGTGATCAGGACATCCCAGCTGATTCCCGAGATGCAGGAGGCCTTCTTCCAGTGCC-3'
Protein context (NP_877423.1, residues 277-297): EDIDQLITIS[Gly287Ser]MVIRTSQLIP